The following is an entry in ClinVar:

ClinVar aggregate classification (germline): Uncertain significance (1 of 4 stars; one submission).

Conditions:
Hereditary cancer-predisposing syndrome. Also called: Tumor predisposition; Hereditary neoplastic syndrome; Hereditary Cancer Syndrome; Neoplastic Syndromes, Hereditary. Identifiers: Orphanet 140162, MedGen C0027672, MeSH D009386, MONDO:0015356.

Submission:

Ambry Genetics
Classification: Uncertain significance for Hereditary cancer-predisposing syndrome. Last evaluated: 2025-03-29. Review status: criteria provided, single submitter. Criteria: Ambry Variant Classification Scheme 2023. Collection method: clinical testing. Allele origin: germline.
Comment: The p.H798R variant (also known as c.2393A>G), located in coding exon 21 of the TSC2 gene, results from an A to G substitution at nucleotide position 2393. The histidine at codon 798 is replaced by arginine, an amino acid with highly similar properties. This amino acid position is conserved. In addition, the in silico prediction for this alteration is inconclusive. Based on the available evidence, the clinical significance of this variant remains unclear.

NM_000548.5(TSC2):c.2393A>G (p.His798Arg)

Gene: TSC2 (TSC complex subunit 2; plus strand). Cytogenetic location: 16p13.3.
Variant type: single nucleotide variant.
Coding change: c.2393A>G on transcript NM_000548.5 (MANE Select); coding-DNA position 2393, A replaced by G.
Protein change: p.His798Arg; replaces histidine 798 with arginine.
Molecular consequence: missense variant. On other transcripts: non-coding transcript variant (5).
Genome position (GRCh38, 1-based): chr16:2,074,237, A>G. VCF-style: chr16-2074237-A-G. GRCh37 (hg19) VCF-style: chr16-2124238-A-G.
Other names: c.2393A>G, p.His798Arg (NM_001077183.3, NM_001114382.3, NM_001363528.2 and 6 more transcripts); c.2282A>G, p.His761Arg (NM_001318827.2, NM_001406678.1, NM_001406670.1); c.2246A>G, p.His749Arg (NM_001318829.2, NM_001406679.1, NM_001406675.1 and 1 more transcripts); c.1793A>G, p.His598Arg (NM_001318831.2, NM_001406680.1, NM_001406682.1 and 6 more transcripts); c.2426A>G, p.His809Arg (NM_001318832.2); c.2336A>G, p.His779Arg (NM_001406677.1); c.1931A>G, p.His644Arg (NM_001406681.1); c.1049A>G, p.His350Arg (NM_001406696.1, NM_001406697.1, NM_001406689.1 and 6 more transcripts); and 3 more; short protein forms H598R, H761R, H794R, H350R, H749R, H264R, H644R, H779R.
Identifiers: ClinVar variation 3974634 (VCV003974634.1).